The following is an entry in ClinVar:

NM_000051.4(ATM):c.3352del (p.Thr1118fs)

Gene: ATM (ATM serine/threonine kinase; plus strand). Cytogenetic location: 11q22.3.
Variant type: Deletion.
Coding change: c.3352del on transcript NM_000051.4 (MANE Select); coding-DNA position 3352, one base deleted (A; older notation c.3352delA).
Protein change: p.Thr1118fs; shifts the reading frame from threonine 1118.
Molecular consequence: frameshift variant.
Genome position (GRCh38, 1-based): chr11:108,279,558, A deleted; the last of 3 consecutive A bases (chr11:108,279,556-108,279,558); deleting any one gives the same sequence. VCF-style (leftmost placement, unchanged base first): chr11-108279555-CA-C. GRCh37 (hg19) VCF-style: chr11-108150282-CA-C.
Other names: c.3352del, p.Thr1118fs (NM_001351834.2); short protein forms T1118fs.
Identifiers: ClinVar variation 934268 (VCV000934268.9), dbSNP rs2082120435, ClinGen allele CA1139662223.

ClinVar aggregate classification (germline): Pathogenic/Likely pathogenic. Review status: criteria provided, multiple submitters, no conflicts (2 of 4 stars). 3 submissions from 3 submitters: Pathogenic (2); Likely pathogenic (1). Last evaluated 2024-10-31.

Conditions:
Ataxia-telangiectasia syndrome (AT). Also called: Ataxia-telangiectasia, complementation group D; Cerebello-oculocutaneous telangiectasia; Immunodeficiency with ataxia telangiectasia; LOUIS-BAR SYNDROME; Ataxia-telangiectasia; AT, COMPLEMENTATION GROUP C. Identifiers: Orphanet 100, MedGen C0004135, MONDO:0008840, OMIM 208900.
Familial cancer of breast. Also called: BREAST CANCER, FAMILIAL; hereditary breast carcinoma; Hereditary breast cancer. Identifiers: Orphanet 227535, MedGen C0346153, MONDO:0016419, OMIM 114480. Disease mechanism: loss of function.

Submissions (3):

Labcorp Genetics (formerly Invitae), Labcorp
Classification: Pathogenic for Ataxia-telangiectasia syndrome. Last evaluated: 2024-10-31. Review status: criteria provided, single submitter. Criteria: Invitae Variant Classification Sherloc (09022015). Collection method: clinical testing. Allele origin: germline.
Comment: This sequence change creates a premature translational stop signal (p.Thr1118Glnfs*8) in the ATM gene. It is expected to result in an absent or disrupted protein product. Loss-of-function variants in ATM are known to be pathogenic (PMID: 23807571, 25614872). This variant is not present in population databases (gnomAD no frequency). This variant has not been reported in the literature in individuals affected with ATM-related conditions. ClinVar contains an entry for this variant (Variation ID: 934268). For these reasons, this variant has been classified as Pathogenic.

Department of Pathology and Laboratory Medicine, Sinai Health System
Classification: Likely pathogenic for Familial cancer of breast. Last evaluated: 2024-06-26. Review status: criteria provided, single submitter. Criteria: ACMG Guidelines, 2015. Collection method: clinical testing. Allele origin: germline. Affected: yes.

Myriad Genetics, Inc.
Classification: Pathogenic for Familial cancer of breast. Last evaluated: 2024-01-22. Review status: criteria provided, single submitter. Criteria: Myriad Autosomal Dominant, Autosomal Recessive and X-Linked Classification Criteria (2023). Collection method: clinical testing. Allele origin: unknown.
Comment: This variant is considered pathogenic. This variant creates a frameshift predicted to result in premature protein truncation.

Literature cited by the submitters: PubMed 23807571 (cited by Labcorp Genetics (formerly Invitae), Labcorp); PubMed 25614872 (cited by Labcorp Genetics (formerly Invitae), Labcorp).